The following is an entry in ClinVar:

ClinVar aggregate classification (germline): Uncertain significance (1 of 4 stars; one submission).

Conditions:
Charcot-Marie-Tooth disease type 2. Also called: Charcot-Marie-Tooth type 2. Identifiers: Orphanet 64746, MedGen C0270914, MONDO:0018993.

Submission:

Labcorp Genetics (formerly Invitae), Labcorp
Classification: Uncertain significance for Charcot-Marie-Tooth disease type 2. Last evaluated: 2026-01-20. Review status: criteria provided, single submitter. Criteria: Invitae Variant Classification Sherloc (09022015). Collection method: clinical testing. Allele origin: germline.
Comment: This sequence change replaces glycine, which is neutral and non-polar, with arginine, which is basic and polar, at codon 700 of the AARS1 protein (p.Gly700Arg). This variant is not present in population databases (gnomAD no frequency). This variant has not been reported in the literature in individuals affected with AARS1-related conditions. Invitae Evidence Modeling of protein sequence and biophysical properties (such as structural, functional, and spatial information, amino acid conservation, physicochemical variation, residue mobility, and thermodynamic stability) has been performed for this missense variant. However, the output from this modeling did not meet the statistical confidence thresholds required to predict the impact of this variant on AARS1 protein function. In summary, the available evidence is currently insufficient to determine the role of this variant in disease. Therefore, it has been classified as a Variant of Uncertain Significance.

NM_001605.3(AARS1):c.2098G>C (p.Gly700Arg)

Gene: AARS1 (alanyl-tRNA synthetase 1; minus strand). Cytogenetic location: 16q22.1.
Variant type: single nucleotide variant.
Coding change: c.2098G>C on transcript NM_001605.3 (MANE Select); coding-DNA position 2098, G replaced by C.
Protein change: p.Gly700Arg; replaces glycine 700 with arginine.
Molecular consequence: missense variant.
Genome position (GRCh38, 1-based): chr16:70,258,112, C>G on the plus strand (G>C on the coding strand, the complement: AARS1 is on the minus strand). VCF-style: chr16-70258112-C-G. GRCh37 (hg19) VCF-style: chr16-70292015-C-G.
Other names: short protein forms G700R.
Identifiers: ClinVar variation 4746001 (VCV004746001.1).